The following is an entry in ClinVar:

ClinVar aggregate classification (germline): Likely pathogenic (1 of 4 stars; one submission).

Conditions:
Oculodentodigital dysplasia, autosomal recessive. Also called: OCULODENTOOSSEOUS DYSPLASIA, AUTOSOMAL RECESSIVE; ODDD, AUTOSOMAL RECESSIVE; ODOD, AUTOSOMAL RECESSIVE. Identifiers: Orphanet 2710, MedGen C2749477, MONDO:0009768, OMIM 257850.

Submission:

Labcorp Genetics (formerly Invitae), Labcorp
Classification: Likely pathogenic for Oculodentodigital dysplasia, autosomal recessive. Last evaluated: 2022-11-24. Review status: criteria provided, single submitter. Criteria: Invitae Variant Classification Sherloc (09022015). Collection method: clinical testing. Allele origin: germline.
Comment: This sequence change replaces threonine, which is neutral and polar, with asparagine, which is neutral and polar, at codon 154 of the GJA1 protein (p.Thr154Asn). This variant is not present in population databases (gnomAD no frequency). This missense change has been observed in individuals with clinical features of autosomal dominant oculodentodigital dysplasia (PMID: 16813608; Invitae). Advanced modeling of protein sequence and biophysical properties (such as structural, functional, and spatial information, amino acid conservation, physicochemical variation, residue mobility, and thermodynamic stability) performed at Invitae indicates that this missense variant is expected to disrupt GJA1 protein function. This variant disrupts the p.Thr154 amino acid residue in GJA1. Other variant(s) that disrupt this residue have been observed in individuals with GJA1-related conditions (PMID: 16813608, 17509830, 19338053, 29927410), which suggests that this may be a clinically significant amino acid residue. In summary, the currently available evidence indicates that the variant is pathogenic, but additional data are needed to prove that conclusively. Therefore, this variant has been classified as Likely Pathogenic.

Literature cited by the submitters: PubMed 16813608; PubMed 17509830; PubMed 19338053; PubMed 29927410.

NM_000165.5(GJA1):c.461C>A (p.Thr154Asn)

Gene: GJA1 (gap junction protein alpha 1; plus strand). Cytogenetic location: 6q22.31.
Variant type: single nucleotide variant.
Coding change: c.461C>A on transcript NM_000165.5 (MANE Select); coding-DNA position 461, C replaced by A.
Protein change: p.Thr154Asn; replaces threonine 154 with asparagine.
Molecular consequence: missense variant.
Genome position (GRCh38, 1-based): chr6:121,447,308, C>A. VCF-style: chr6-121447308-C-A. GRCh37 (hg19) VCF-style: chr6-121768454-C-A.
Other names: short protein forms T154N.
Identifiers: ClinVar variation 2136457 (VCV002136457.4), dbSNP rs2536821904, ClinGen allele CA365559061.